The following is an entry in ClinVar:

ClinVar aggregate classification (germline): Uncertain significance. Review status: criteria provided, multiple submitters, no conflicts (2 of 4 stars). 2 submissions from 2 submitters: Uncertain significance (2). Last evaluated 2023-05-04.

Conditions:
Hereditary cancer-predisposing syndrome. Also called: Hereditary neoplastic syndrome; Neoplastic Syndromes, Hereditary; Tumor predisposition; Hereditary Cancer Syndrome. Identifiers: Orphanet 140162, MedGen C0027672, MeSH D009386, MONDO:0015356.
Gorlin syndrome. Also called: Nevoid Basal Cell Carcinoma Syndrome; Basal cell nevus syndrome. Identifiers: Orphanet 377, MedGen C0004779, MONDO:0007187.

Submissions (2):

Ambry Genetics
Classification: Uncertain significance for Hereditary cancer-predisposing syndrome. Last evaluated: 2023-05-04. Review status: criteria provided, single submitter. Criteria: Ambry Variant Classification Scheme 2023. Collection method: clinical testing. Allele origin: germline.
Comment: The p.H634Q variant (also known as c.1902C>G), located in coding exon 14 of the PTCH1 gene, results from a C to G substitution at nucleotide position 1902. The histidine at codon 634 is replaced by glutamine, an amino acid with highly similar properties. This amino acid position is conserved. In addition, this alteration is predicted to be tolerated by in silico analysis. Since supporting evidence is limited at this time, the clinical significance of this alteration remains unclear.

Labcorp Genetics (formerly Invitae), Labcorp
Classification: Uncertain significance for Gorlin syndrome. Last evaluated: 2020-08-27. Review status: criteria provided, single submitter. Criteria: Invitae Variant Classification Sherloc (09022015). Collection method: clinical testing. Allele origin: germline.
Comment: This variant is not present in population databases (ExAC no frequency). This sequence change replaces histidine with glutamine at codon 634 of the PTCH1 protein (p.His634Gln). The histidine residue is weakly conserved and there is a small physicochemical difference between histidine and glutamine. In summary, the available evidence is currently insufficient to determine the role of this variant in disease. Therefore, it has been classified as a Variant of Uncertain Significance. Algorithms developed to predict the effect of sequence changes on RNA splicing suggest that this variant may create or strengthen a splice site, but this prediction has not been confirmed by published transcriptional studies. Advanced modeling of protein sequence and biophysical properties (such as structural, functional, and spatial information, amino acid conservation, physicochemical variation, residue mobility, and thermodynamic stability) performed at Invitae indicates that this missense variant is not expected to disrupt PTCH1 protein function. This variant has not been reported in the literature in individuals with PTCH1-related conditions.

NM_000264.5(PTCH1):c.1902C>G (p.His634Gln)

Genes: PTCH1 (patched 1; minus strand), LOC100507346 (uncharacterized LOC100507346; plus strand). Cytogenetic location: 9q22.32.
Variant type: single nucleotide variant.
Coding change: c.1902C>G on transcript NM_000264.5 (MANE Select); coding-DNA position 1902, C replaced by G.
Protein change: p.His634Gln; replaces histidine 634 with glutamine.
Molecular consequence: missense variant. On other transcripts: non-coding transcript variant (2).
Genome position (GRCh38, 1-based): chr9:95,469,099, G>C on the plus strand (C>G on the coding strand, the complement: PTCH1 is on the minus strand). VCF-style: chr9-95469099-G-C. GRCh37 (hg19) VCF-style: chr9-98231381-G-C.
Other names: c.1902C>G (NM_000264.3); c.1449C>G, p.His483Gln (NM_001083607.3, NM_001083604.3, NM_001083605.3 and 1 more transcripts); c.1746C>G, p.His582Gln (NM_001354918.2); c.1704C>G, p.His568Gln (NM_001083602.3); c.1899C>G, p.His633Gln (NM_001083603.3); short protein forms H483Q, H633Q, H634Q, H568Q, H582Q.
Identifiers: ClinVar variation 1043755 (VCV001043755.11), dbSNP rs761015917, ClinGen allele CA374116081.
Genomic context (GRCh38, chr9:95,469,099, plus strand): 5'-CGTTTCATGGGCAAAGCTGTGGCTGCTGTAGGGAGGTGGGGGGCTGTAGCGGGTATTGTC[G>C]TGTGTGTCGGTGTAGGCCTGAGGTTCAACCTGAATCACTCTGCTGACGCAGGGGCTGAAA-3'
Protein context (NP_000255.2, residues 624-644): QVEPQAYTDT[His634Gln]DNTRYSPPPP